The following is an entry in ClinVar:

ClinVar aggregate classification (germline): Pathogenic/Likely pathogenic. Review status: criteria provided, multiple submitters, no conflicts (2 of 4 stars). 3 submissions from 3 submitters: Pathogenic (2); Likely pathogenic (1). Last evaluated 2026-04-14.

Conditions:
Cholestasis, intrahepatic, of pregnancy, 3. Identifiers: Orphanet 69665, MedGen C3554241, MONDO:0013995, OMIM 614972.
Familial intrahepatic cholestasis. Identifiers: Orphanet 284385, MedGen CN296401, MONDO:0017290.
Low phospholipid associated cholelithiasis (GBD1). Also called: Gallstone cholecystitis; Gallbladder disease 1. Identifiers: Orphanet 69663, MedGen C2609268, MONDO:0010939, OMIM 600803.

gnomAD v4.1: 17 of 1,613,998 alleles (0.0011%); highest among the groups gnomAD compares: African/African-American, 0.0013%; no homozygotes.

Submissions (3):

Genomenon, Inc
Classification: Likely pathogenic for Familial intrahepatic cholestasis; Low phospholipid associated cholelithiasis. Last evaluated: 2026-04-14. Review status: criteria provided, single submitter. Criteria: Genomenon Sequence Variant Interpretation Standards - Updated. Collection method: curation. Allele origin: germline. Affected: yes.
Comment: ABCB4 p.Arg545Cys (c.1633C>T) is a missense variant that changes the amino acid at residue 545 from Arginine to Cysteine. This variant has been observed in at least one proband with an ABCB4-related disorder (PMID:39333837;36277956;26324191). At least one functional study has demonstrated a substantial alteration in protein function relative to the wild-type (PMID:28220208). It is absent or not present at a significant frequency in gnomAD. In silico models predict that this variant is possibly or probably damaging. In conclusion, we classify ABCB4 p.Arg545Cys (c.1633C>T) as a likely pathogenic variant.

Center for Genomic Medicine, Rigshospitalet, Copenhagen University Hospital
Classification: Pathogenic. Last evaluated: 2025-12-29. Review status: criteria provided, single submitter. Criteria: ACMG Guidelines, 2015. Collection method: clinical testing. Allele origin: germline.

Women's Health and Genetics/Laboratory Corporation of America, LabCorp
Classification: Pathogenic for Cholestasis, intrahepatic, of pregnancy, 3. Last evaluated: 2025-11-11. Review status: criteria provided, single submitter. Criteria: LabCorp Variant Classification Summary - May 2015. Collection method: clinical testing. Allele origin: germline.
Comment: Variant summary: ABCB4 c.1633C>T (p.Arg545Cys) results in a non-conservative amino acid change in the encoded protein sequence. Algorithms developed to predict the effect of missense changes on protein structure and function all suggest that this variant is likely to be disruptive. The variant allele was found at a frequency of 8e-06 in 251288 control chromosomes. c.1633C>T has been observed as a heterozygous genotype in individual(s) affected with features of Intrahepatic Cholestasis, Progressive Familial Intrahepatic Cholestasis (PFIC), primary biliary cholangitis (PBC), Sclerosing Cholengitis (SC), low-phospholipid associated cholelithiasis (LPAC), idiopathic chronic cholestasis (ICC) (Degiorgio_2016, Andress_2017, Biyoukar_2022, Nayagam_2022, Jiao_2025). To our knowledge, this variant has not been reported in individuals with Autosomal Recessive ABCB4 - related conditions. These data indicate that the variant is likely to be associated with dominant disease. At least one publication reports experimental evidence evaluating an impact on protein function. The most pronounced variant effect results in significantly compromised activity of the ABCB4 transporter (Andress_2017). The following publications have been ascertained in the context of this evaluation (PMID: 28220208, 36277956, 26324191, 39333837, 35894240). No submitters have cited clinical-significance assessments for this variant to ClinVar. Based on the evidence outlined above, the variant was classified as pathogenic for Autosomal Dominant ABCB4 related conditions.

Literature cited by the submitters: PubMed 39333837 (cited by 3 submitters); PubMed 36277956 (cited by Genomenon, Inc and Women's Health and Genetics/Laboratory Corporation of America, LabCorp); PubMed 26324191 (cited by 3 submitters); PubMed 28220208 (cited by 3 submitters); PubMed 35894240 (cited by Women's Health and Genetics/Laboratory Corporation of America, LabCorp).

NM_000443.4(ABCB4):c.1633C>T (p.Arg545Cys)

Gene: ABCB4 (ATP binding cassette subfamily B member 4; minus strand). Cytogenetic location: 7q21.12.
Variant type: single nucleotide variant.
Coding change: c.1633C>T on transcript NM_000443.4 (MANE Select); coding-DNA position 1633, C replaced by T.
Protein change: p.Arg545Cys; replaces arginine 545 with cysteine.
Molecular consequence: missense variant.
Genome position (GRCh38, 1-based): chr7:87,439,765, G>A on the plus strand (C>T on the coding strand, the complement: ABCB4 is on the minus strand). VCF-style: chr7-87439765-G-A. GRCh37 (hg19) VCF-style: chr7-87069081-G-A.
Other names: c.1633C>T, p.Arg545Cys (NM_018849.3, NM_018850.3); short protein forms R545C.
Identifiers: ClinVar variation 4536822 (VCV004536822.3).
Genomic context (GRCh38, chr7:87,439,765, plus strand): 5'-TGTCCAATGCTGACGTGGCCTCATCCAGCAGAAGGATCTTGGGGTTGCGAACCAGGGCAC[G>A]TGCAATGGCGATCCTCTGCTTCTGCCCACCACTCAGCTGGGCCCCTCTCTCTCCAACCAG-3'
Protein context (NP_000434.1, residues 535-555): GGQKQRIAIA[Arg545Cys]ALVRNPKILL